The following is an entry in ClinVar:

NM_000350.3(ABCA4):c.5196+1056A>G

Gene: ABCA4 (ATP binding cassette subfamily A member 4; minus strand). Cytogenetic location: 1p22.1.
Variant type: single nucleotide variant.
Coding change: c.5196+1056A>G on transcript NM_000350.3 (MANE Select); 1056 bases into the intron after coding-DNA position 5196, A replaced by G.
Molecular consequence: intron variant.
Genome position (GRCh38, 1-based): chr1:94,018,526, T>C on the plus strand (A>G on the coding strand, the complement: ABCA4 is on the minus strand). VCF-style: chr1-94018526-T-C. GRCh37 (hg19) VCF-style: chr1-94484082-T-C.
Identifiers: ClinVar variation 236127 (VCV000236127.57), dbSNP rs886044749, ClinGen allele CA10602421.
Genomic context (GRCh38, chr1:94,018,526, plus strand): 5'-AAATAATTTAGTTGCTACTGATAATCTCTGGTTTTGTATTGTTAAGTGATAGCTGCTTAC[T>C]AAGCTGAGTAAGATAGAAATCATATCTTCAGGAATTCCAATATTCACCATCATTTTAAAA-3'

ClinVar aggregate classification (germline): Pathogenic/Likely pathogenic. Review status: criteria provided, multiple submitters, no conflicts (2 of 4 stars). 9 submissions from 9 submitters: Pathogenic (4); Likely pathogenic (3). 2 of the submissions do not count toward it. Last evaluated 2025-08-11.

Conditions:
ABCA4-related disorder. Also called: ABCA4-related disorders; ABCA4-related condition. Identifiers: MedGen CN239167.
Retinal dystrophy. Also called: Inherited retinal dystrophy. Identifiers: Orphanet 71862, MedGen C0854723, MeSH D058499, MONDO:0019118, HP:0000556.
Age related macular degeneration 2. Also called: MACULAR DEGENERATION, SENILE; MACULOPATHY, AGE-RELATED, 2; MACULOPATHY, AGE-RELATED. Identifiers: MedGen C3495438, MONDO:0007932, OMIM 153800.
Severe early-childhood-onset retinal dystrophy (STGD1). Also called: MACULAR DYSTROPHY WITH FLECKS, TYPE 1; Stargardt macular dystrophy; Juvenile onset macular degeneration; Stargardt disease 1; STGD. Identifiers: Orphanet 364055, Orphanet 827, MedGen C1855465, MeSH D000080362, MONDO:0009549, OMIM 248200.

Allele frequency attached by ClinVar (database versions not stated): gnomAD exomes 0.00001; TOPMed 0.00001.
gnomAD v4.1: 3 of 454,942 alleles (0.00066%); highest among the groups gnomAD compares: Non-Finnish European, 0.0013%; no homozygotes.

Submissions (9):

Labcorp Genetics (formerly Invitae), Labcorp
Classification: Pathogenic. Last evaluated: 2025-08-11. Review status: criteria provided, single submitter. Criteria: Invitae Variant Classification Sherloc (09022015). Collection method: clinical testing. Allele origin: germline.
Comment: This sequence change falls in intron 36 of the ABCA4 gene. It does not directly change the encoded amino acid sequence of the ABCA4 protein. This variant is not present in population databases (gnomAD no frequency). This variant has been observed in individual(s) with Stargardt disease (PMID: 23918662, 28118664, 29848554). In at least one individual the data is consistent with being in trans (on the opposite chromosome) from a pathogenic variant. ClinVar contains an entry for this variant (Variation ID: 236127). Algorithms developed to predict the effect of sequence changes on RNA splicing suggest that this variant may create or strengthen a splice site. For these reasons, this variant has been classified as Pathogenic.

GeneDx
Classification: Likely pathogenic. Last evaluated: 2025-05-14. Review status: criteria provided, single submitter. Criteria: GeneDx Variant Classification Process June 2021. Collection method: clinical testing. Allele origin: germline. Affected: yes.
Comment: Observed multiple times with a pathogenic variant on the opposite allele (in trans) in the published literature (PMID: 25082829, 23918662, 29848554); Identified in patients with ABCA4-related disorders in published literature (PMID: 32307445, 32531858, 32619608); RNA studies demonstrate a damaging effect: inclusion of a 177bp pseudoexon (PMID: 38274366, 23918662); Not observed at significant frequency in large population cohorts (gnomAD); This variant is associated with the following publications: (PMID: 28341476, 35119454, 38219857, 38309476, 39883546, 23918662, 39494150, 32653833, 38927702, 29769798, 25082829, 25283059, 28118664, 32619608, 32531858, 38274366, 33546218, 32307445, 35120629, 29848554)

CeGaT Center for Human Genetics Tuebingen
Classification: Pathogenic. Last evaluated: 2023-04-01. Review status: criteria provided, single submitter. Criteria: CeGaT Center For Human Genetics Tuebingen Variant Classification Criteria Version 2. Collection method: clinical testing. Allele origin: germline. Affected: yes. Observed: 2 variant alleles.
Comment: ABCA4: PM3:Very Strong, PM2, PP3, PP4, PS3:Supporting

Blueprint Genetics
Classification: Pathogenic for ABCA4-related disorders. Last evaluated: 2022-11-13. Review status: criteria provided, single submitter. Criteria: ACMG Guidelines, 2015. Collection method: clinical testing. Allele origin: germline. Affected: yes. Observed: 5 variant alleles.

Mendelics
Classification: Likely pathogenic for Age related macular degeneration 2. Last evaluated: 2022-05-04. Review status: criteria provided, single submitter. Criteria: Mendelics Assertion Criteria 2019. Collection method: clinical testing. Allele origin: germline.

Institute of Human Genetics, Univ. Regensburg, Univ. Regensburg
Classification: Pathogenic for Retinal dystrophy. Last evaluated: 2022-01-01. Review status: criteria provided, single submitter. Criteria: ACMG Guidelines, 2015. Collection method: clinical testing. Allele origin: germline. Affected: yes.

Institute of Medical Molecular Genetics, University of Zurich
Classification: Likely pathogenic for Severe early-childhood-onset retinal dystrophy. Last evaluated: 2021-01-30. Review status: criteria provided, single submitter. Criteria: ACMG Guidelines, 2015. Collection method: clinical testing. Allele origin: germline. Affected: yes.

Clinical Genetics DNA and cytogenetics Diagnostics Lab, Erasmus MC, Erasmus Medical Center
Classification: Pathogenic. Review status: no assertion criteria provided. Collection method: clinical testing. Allele origin: germline. Affected: yes. Study: VKGL Data-share Consensus. Not counted in ClinVar's aggregate classification.

Clinical Genetics, Academic Medical Center
Classification: Pathogenic. Review status: no assertion criteria provided. Collection method: clinical testing. Allele origin: germline. Affected: yes. Study: VKGL Data-share Consensus. Not counted in ClinVar's aggregate classification.

Literature cited by the submitters: PubMed 23918662 (cited by Labcorp Genetics (formerly Invitae), Labcorp and Institute of Human Genetics, Univ. Regensburg, Univ. Regensburg); PubMed 28118664 (cited by Labcorp Genetics (formerly Invitae), Labcorp and Institute of Human Genetics, Univ. Regensburg, Univ. Regensburg); PubMed 29848554 (cited by Labcorp Genetics (formerly Invitae), Labcorp and Institute of Human Genetics, Univ. Regensburg, Univ. Regensburg); PubMed 25283059 (cited by Institute of Human Genetics, Univ. Regensburg, Univ. Regensburg); PubMed 32619608 (cited by Institute of Human Genetics, Univ. Regensburg, Univ. Regensburg); PubMed 32307445 (cited by Institute of Human Genetics, Univ. Regensburg, Univ. Regensburg); PubMed 32531858 (cited by Institute of Human Genetics, Univ. Regensburg, Univ. Regensburg); PubMed 35119454 (cited by Institute of Human Genetics, Univ. Regensburg, Univ. Regensburg).